The following is an entry in ClinVar:

NM_004655.4(AXIN2):c.1222G>C (p.Glu408Gln)

Gene: AXIN2 (axin 2; minus strand). Cytogenetic location: 17q24.1.
Variant type: single nucleotide variant.
Coding change: c.1222G>C on transcript NM_004655.4 (MANE Select); coding-DNA position 1222, G replaced by C.
Protein change: p.Glu408Gln; replaces glutamic acid 408 with glutamine.
Molecular consequence: missense variant.
Genome position (GRCh38, 1-based): chr17:65,537,814, C>G on the plus strand (G>C on the coding strand, the complement: AXIN2 is on the minus strand). VCF-style: chr17-65537814-C-G. GRCh37 (hg19) VCF-style: chr17-63533932-C-G.
Other names: c.1222G>C, p.Glu408Gln (NM_001363813.1); short protein forms E408Q.
Identifiers: ClinVar variation 1753476 (VCV001753476.2), dbSNP rs749846538, ClinGen allele CA400677933.

ClinVar aggregate classification (germline): Uncertain significance (1 of 4 stars; one submission).

Conditions:
Hereditary cancer-predisposing syndrome. Also called: Neoplastic Syndromes, Hereditary; Tumor predisposition; Hereditary Cancer Syndrome; Hereditary neoplastic syndrome. Identifiers: Orphanet 140162, MedGen C0027672, MeSH D009386, MONDO:0015356.

Submission:

Ambry Genetics
Classification: Uncertain significance for Hereditary cancer-predisposing syndrome. Last evaluated: 2022-04-29. Review status: criteria provided, single submitter. Criteria: Ambry Variant Classification Scheme 2023. Collection method: clinical testing. Allele origin: germline.
Comment: The p.E408Q variant (also known as c.1222G>C), located in coding exon 5 of the AXIN2 gene, results from a G to C substitution at nucleotide position 1222. The glutamic acid at codon 408 is replaced by glutamine, an amino acid with highly similar properties. This amino acid position is conserved. In addition, this alteration is predicted to be tolerated by in silico analysis. Since supporting evidence is limited at this time, the clinical significance of this alteration remains unclear.